The following is an entry in ClinVar:

NM_032383.5(HPS3):c.2209C>T (p.Gln737Ter)

Gene: HPS3 (HPS3 biogenesis of lysosomal organelles complex 2 subunit 1; plus strand). Cytogenetic location: 3q24.
Variant type: single nucleotide variant.
Coding change: c.2209C>T on transcript NM_032383.5 (MANE Select); coding-DNA position 2209, C replaced by T.
Protein change: p.Gln737Ter; replaces glutamine 737 with a stop codon.
Molecular consequence: nonsense.
Genome position (GRCh38, 1-based): chr3:149,162,250, C>T. VCF-style: chr3-149162250-C-T. GRCh37 (hg19) VCF-style: chr3-148880037-C-T.
Other names: c.1714C>T, p.Gln572Ter (NM_001308258.2); short protein forms Q572*, Q737*.
Identifiers: ClinVar variation 1724595 (VCV001724595.2), dbSNP rs1723933181, ClinGen allele CA354924050.
Genomic context (GRCh38, chr3:149,162,250, plus strand): 5'-ATTCAACAGAGAAAGGGACAGATTGTTCCAACCGAGCTTGCACTTCACTTGAAGGAAACT[C>T]AGCCTGGATTGCTTGTGGCTTCAGTTCTGGGCTTGCAGAAGAACAACAAAATTGGAATTG-3'

ClinVar aggregate classification (germline): Likely pathogenic (1 of 4 stars; one submission).

Conditions:
Hermansky-Pudlak syndrome 3 (HPS3). Identifiers: Orphanet 231512, Orphanet 79430, MedGen C3888001, MONDO:0013555, OMIM 614072.

Submission:

Myriad Genetics, Inc.
Classification: Likely pathogenic for Hermansky-Pudlak syndrome 3. Last evaluated: 2022-02-20. Review status: criteria provided, single submitter. Criteria: Myriad Women's Health Autosomal Recessive and X-Linked Classification Criteria (2021). Collection method: clinical testing. Allele origin: unknown.
Comment: NM_032383.3(HPS3):c.2209C>T(Q737*) is expected to be pathogenic in the context of Hermansky-Pudlak syndrome type 3. This variant is predicted to lead to an abnormal or absent protein product due to the creation of a premature termination codon in HPS3, a gene where loss-of-function variants are known to be pathogenic. Please note: this variant was assessed in the context of healthy population screening.